The following is an entry in ClinVar:

NM_000171.4(GLRA1):c.708del (p.Cys237fs)

Gene: GLRA1 (glycine receptor alpha 1; minus strand). Cytogenetic location: 5q33.1.
Variant type: Deletion.
Coding change: c.708del on transcript NM_000171.4 (MANE Select); coding-DNA position 708, one base deleted (C; older notation c.708delC).
Protein change: p.Cys237fs; shifts the reading frame from cysteine 237.
Molecular consequence: frameshift variant.
Genome position (GRCh38, 1-based): chr5:151,851,594, G deleted on the plus strand (C on the coding strand, the reverse complement: GLRA1 is on the minus strand); the first of 2 consecutive G bases (chr5:151,851,594-151,851,595); deleting either gives the same sequence. VCF-style (leftmost placement, unchanged base first): chr5-151851593-AG-A. GRCh37 (hg19) VCF-style: chr5-151231154-AG-A.
Other names: c.708del, p.Cys237fs (NM_001146040.2); c.459del, p.Cys154fs (NM_001292000.2); short protein forms C154fs, C237fs.
Identifiers: ClinVar variation 3650596 (VCV003650596.2).
Genomic context (GRCh38, chr5:151,851,593, plus strand): 5'-TATACATCTGAATCAGGTAGTAACCCATCTGCCGCTCCAGGTGGAACCGGGCCTCAATGC[AG>A]GTGAATTTACCTGCAAGAAATTGCAGTGAGAAGGCAGTGTAGCCTGGTGAATAGGACAAA-3'

ClinVar aggregate classification (germline): Pathogenic (1 of 4 stars; one submission).

Conditions:
Hereditary hyperekplexia. Identifiers: Orphanet 3197, MedGen C4084968, MONDO:0021022.

Submission:

Labcorp Genetics (formerly Invitae), Labcorp
Classification: Pathogenic for Hereditary hyperekplexia. Last evaluated: 2024-04-22. Review status: criteria provided, single submitter. Criteria: Invitae Variant Classification Sherloc (09022015). Collection method: clinical testing. Allele origin: germline.
Comment: This sequence change creates a premature translational stop signal (p.Cys237Alafs*16) in the GLRA1 gene. It is expected to result in an absent or disrupted protein product. Loss-of-function variants in GLRA1 are known to be pathogenic (PMID: 20631190, 24108130). This variant is not present in population databases (gnomAD no frequency). This variant has not been reported in the literature in individuals affected with GLRA1-related conditions. For these reasons, this variant has been classified as Pathogenic.

Literature cited by the submitters: PubMed 20631190; PubMed 24108130.